The following is an entry in ClinVar:

NM_000420.3(KEL):c.1271C>T (p.Ala424Val)

Gene: KEL (Kell metallo-endopeptidase (Kell blood group); minus strand). Cytogenetic location: 7q34.
Variant type: single nucleotide variant.
Coding change: c.1271C>T on transcript NM_000420.3 (MANE Select); coding-DNA position 1271, C replaced by T.
Protein change: p.Ala424Val; replaces alanine 424 with valine.
Molecular consequence: missense variant.
Genome position (GRCh38, 1-based): chr7:142,946,250, G>A on the plus strand (C>T on the coding strand, the complement: KEL is on the minus strand). VCF-style: chr7-142946250-G-A. GRCh37 (hg19) VCF-style: chr7-142643337-G-A.
Other names: short protein forms A424V.
Identifiers: ClinVar variation 4974628 (VCV004974628.1).

ClinVar aggregate classification (germline): Uncertain significance (1 of 4 stars; one submission).

Conditions:
Vein of Galen aneurysmal malformation (VGAM). Also called: Vein of Galen aneurysm; Aneurysm of the vein of Galen; Ectasia or varix of the vein of Galen; Galenic arteriovenous malformation; Vein of Galen aneurysm malformation; Galen vein aneurysm. Identifiers: Orphanet 1053, MedGen C0431420, MONDO:0015196, HP:0030713.

gnomAD v4.1: 19 of 1,614,020 alleles (0.0012%); highest among the groups gnomAD compares: African/African-American, 0.0067%; no homozygotes.

Submission:

Clinical Genomics Laboratory, Washington University in St. Louis
Classification: Uncertain significance for Vein of Galen aneurysmal malformation. Last evaluated: 2026-02-13. Review status: criteria provided, single submitter. Criteria: ACMG Guidelines, 2015. Collection method: clinical testing. Allele origin: germline.
Comment: A KEL c.1271C>T (p.Ala424Val) variant was identified at a near heterozygous allelic fraction of 48.5%, a frequency which may be consistent with germline origin. This variant has been identified in the literature in a family with the Kell blood group antigen, but to our knowledge, has not been reported in vascular anomalies (Velliquette RW et al., PMID: 23560718). It is observed on 19/1,614,020 alleles in the general population (gnomAD v4.1.0). Computational predictors suggest that the variant does not impact KEL function. Due to limited information, and based on ACMG/AMP guidelines for variant interpretation (Richards S et al., PMID: 25741868), the clinical significance of this variant is uncertain at this time.